The following is an entry in ClinVar:

NM_005751.5(AKAP9):c.325A>G (p.Thr109Ala)

Gene: AKAP9 (A-kinase anchoring protein 9; plus strand). Cytogenetic location: 7q21.2.
Variant type: single nucleotide variant.
Coding change: c.325A>G on transcript NM_005751.5 (MANE Select); coding-DNA position 325, A replaced by G.
Protein change: p.Thr109Ala; replaces threonine 109 with alanine.
Molecular consequence: missense variant.
Genome position (GRCh38, 1-based): chr7:91,980,307, A>G. VCF-style: chr7-91980307-A-G. GRCh37 (hg19) VCF-style: chr7-91609621-A-G.
Other names: c.325A>G, p.Thr109Ala (NM_147185.3); short protein forms T109A.
Identifiers: ClinVar variation 1729502 (VCV001729502.5), dbSNP rs2484622663, ClinGen allele CA368118972.

ClinVar aggregate classification (germline): Uncertain significance. Review status: criteria provided, multiple submitters, no conflicts (2 of 4 stars). 2 submissions from 2 submitters: Uncertain significance (2). Last evaluated 2023-09-10.

Conditions:
Long QT syndrome (LQTS). Identifiers: MedGen C0023976, MeSH D008133, MONDO:0002442. Disease mechanism: loss of function. Inheritance: Various modes of inheritance.
Cardiovascular phenotype. Identifiers: MedGen CN230736.

Allele frequency attached by ClinVar (database versions not stated): gnomAD exomes below 0.00001.
gnomAD v4.1: 2 of 1,586,484 alleles (0.00013%); highest among the groups gnomAD compares: Non-Finnish European, 0.00017%; no homozygotes.

Submissions (2):

Labcorp Genetics (formerly Invitae), Labcorp
Classification: Uncertain significance for Long QT syndrome. Last evaluated: 2023-09-10. Review status: criteria provided, single submitter. Criteria: Invitae Variant Classification Sherloc (09022015). Collection method: clinical testing. Allele origin: germline.
Comment: This sequence change replaces threonine, which is neutral and polar, with alanine, which is neutral and non-polar, at codon 109 of the AKAP9 protein (p.Thr109Ala). This variant is not present in population databases (gnomAD no frequency). This variant has not been reported in the literature in individuals affected with AKAP9-related conditions. ClinVar contains an entry for this variant (Variation ID: 1729502). An algorithm developed to predict the effect of missense changes on protein structure and function (PolyPhen-2) suggests that this variant is likely to be disruptive. In summary, the available evidence is currently insufficient to determine the role of this variant in disease. Therefore, it has been classified as a Variant of Uncertain Significance.

Ambry Genetics
Classification: Uncertain significance for Cardiovascular phenotype. Last evaluated: 2022-01-02. Review status: criteria provided, single submitter. Criteria: Ambry Variant Classification Scheme 2023. Collection method: clinical testing. Allele origin: germline.
Comment: The p.T109A variant (also known as c.325A>G), located in coding exon 3 of the AKAP9 gene, results from an A to G substitution at nucleotide position 325. The threonine at codon 109 is replaced by alanine, an amino acid with similar properties. This amino acid position is conserved. In addition, this alteration is predicted to be tolerated by in silico analysis. Since supporting evidence is limited at this time, the clinical significance of this alteration remains unclear.